The following is an entry in ClinVar:

NM_080860.4(RSPH1):c.168+36A>G

Genes: RSPH1 (radial spoke head component 1; minus strand), LOC126653391 (CDK7 strongly-dependent group 2 enhancer GRCh37_chr21:43912470-43913669; plus strand). Cytogenetic location: 21q22.3.
Variant type: single nucleotide variant.
Coding change: c.168+36A>G on transcript NM_080860.4 (MANE Select); 36 bases into the intron after coding-DNA position 168, A replaced by G.
Molecular consequence: intron variant.
Genome position (GRCh38, 1-based): chr21:42,492,930, T>C on the plus strand (A>G on the coding strand, the complement: RSPH1 is on the minus strand). VCF-style: chr21-42492930-T-C. GRCh37 (hg19) VCF-style: chr21-43913040-T-C.
Other names: c.55-67A>G (NM_001286506.2).
Identifiers: ClinVar variation 1706952 (VCV001706952.2), dbSNP rs114507956, ClinGen allele CA10044034.
Genomic context (GRCh38, chr21:42,492,930, plus strand): 5'-CACATTGATTATATCATTCATATCATTGCTGAATGTAGCATTTGCTAACAGAGTATTAAA[T>C]AGAGAAAACCATCCAGTCAAGTCAACGGTTCTGACCTGGCCATGTCTTTTACCGAATTCG-3'

ClinVar aggregate classification (germline): Likely benign (1 of 4 stars; one submission).

Allele frequency attached by ClinVar (database versions not stated): ExAC 0.00247; 1000 Genomes Project 30x 0.00718; 1000 Genomes Project 0.00719; ESP Exome Variant Server 0.00784; gnomAD 0.00841; TOPMed 0.00975.
gnomAD v4.1: 2,540 of 1,598,800 alleles (0.16%); highest among the groups gnomAD compares: African/African-American, 3%; 47 homozygotes.

Submission:

GeneDx
Classification: Likely benign. Last evaluated: 2022-02-10. Review status: criteria provided, single submitter. Criteria: GeneDx Variant Classification Process June 2021. Collection method: clinical testing. Allele origin: germline. Affected: yes.
Comment: See Variant Classification Assertion Criteria.